The following is an entry in ClinVar:

NM_003239.5(TGFB3):c.41T>C (p.Leu14Pro)

Gene: TGFB3 (transforming growth factor beta 3; minus strand). Cytogenetic location: 14q24.3.
Variant type: single nucleotide variant.
Coding change: c.41T>C on transcript NM_003239.5 (MANE Select); coding-DNA position 41, T replaced by C.
Protein change: p.Leu14Pro; replaces leucine 14 with proline.
Molecular consequence: missense variant.
Genome position (GRCh38, 1-based): chr14:75,980,853, A>G on the plus strand (T>C on the coding strand, the complement: TGFB3 is on the minus strand). VCF-style: chr14-75980853-A-G. GRCh37 (hg19) VCF-style: chr14-76447196-A-G.
Other names: c.41T>C, p.Leu14Pro (NM_001329938.2, NM_001329939.2); short protein forms L14P.
Identifiers: ClinVar variation 1481277 (VCV001481277.10), dbSNP rs2140254745, ClinGen allele CA390471854.
Genomic context (GRCh38, chr14:75,980,853, plus strand): 5'-TGGCCGAAGTCCAAGGTGGTGCAAGTGGACAGAGAGAGGCTGACCGTGGCAAAGTTCAGC[A>G]GGGCCAGGACCACCAGAGCCCTTTGCAAGTGCATCTTCATGTGTGAGCTGGGAAGAGAGG-3'
Protein context (NP_003230.1, residues 4-24): HLQRALVVLA[Leu14Pro]LNFATVSLSL

ClinVar aggregate classification (germline): Uncertain significance. Review status: criteria provided, multiple submitters, no conflicts (2 of 4 stars). 2 submissions from 2 submitters: Uncertain significance (2). Last evaluated 2026-04-21.

Conditions:
Rienhoff syndrome. Also called: LOEYS-DIETZ SYNDROME 5. Identifiers: MedGen C3810012, MONDO:0014262, OMIM 615582.

Submissions (2):

Dasa
Classification: Uncertain significance. Last evaluated: 2026-04-21. Review status: criteria provided, single submitter. Criteria: DASA Assertion Criteria. Collection method: clinical testing. Allele origin: germline.
Comment: NM_003239.5(TGFB3):c.41T>C (p.Leu14Pro) is a missense variant that results in the substitution of leucine with proline. This variant is rare in population databases. Computational prediction algorithms are consistent with a deleterious effect. The currently available literature and clinical evidence are not sufficient to establish a definitive association between this variant and the reported condition. Therefore, this variant is classified as a variant of uncertain significance.

Labcorp Genetics (formerly Invitae), Labcorp
Classification: Uncertain significance for Rienhoff syndrome. Last evaluated: 2021-02-17. Review status: criteria provided, single submitter. Criteria: Invitae Variant Classification Sherloc (09022015). Collection method: clinical testing. Allele origin: germline.
Comment: This variant has not been reported in the literature in individuals with TGFB3-related conditions. In summary, the available evidence is currently insufficient to determine the role of this variant in disease. Therefore, it has been classified as a Variant of Uncertain Significance. Algorithms developed to predict the effect of missense changes on protein structure and function are either unavailable or do not agree on the potential impact of this missense change (SIFT: "Deleterious"; PolyPhen-2: "Probably Damaging"; Align-GVGD: "Class C0"). This variant is not present in population databases (ExAC no frequency). This sequence change replaces leucine with proline at codon 14 of the TGFB3 protein (p.Leu14Pro). The leucine residue is highly conserved and there is a moderate physicochemical difference between leucine and proline.